The following is an entry in ClinVar:

ClinVar aggregate classification (germline): Benign/Likely benign. Review status: criteria provided, multiple submitters, no conflicts (2 of 4 stars). 3 submissions from 3 submitters: Benign (1); Likely benign (2). Last evaluated 2025-05-02.

Conditions:
Familial melanoma. Also called: Hereditary melanoma; Hereditary cutaneous melanoma. Identifiers: Orphanet 618, MedGen C1512419, MONDO:0018961.
Hereditary cancer-predisposing syndrome. Also called: Hereditary Cancer Syndrome; Neoplastic Syndromes, Hereditary; Tumor predisposition; Hereditary neoplastic syndrome. Identifiers: Orphanet 140162, MedGen C0027672, MeSH D009386, MONDO:0015356.
Melanoma, cutaneous malignant, susceptibility to, 3. Also called: Cutaneous malignant melanoma 3. Identifiers: Orphanet 618, MedGen C1836892, MONDO:0012183, OMIM 609048.

Allele frequency attached by ClinVar (database versions not stated): 1000 Genomes Project 30x 0.00016; 1000 Genomes Project 0.00020.
gnomAD v4.1: 2 of 1,614,052 alleles (0.00012%); highest among the groups gnomAD compares: East Asian, 0.0045%; no homozygotes.

Submissions (3):

Labcorp Genetics (formerly Invitae), Labcorp
Classification: Likely benign for Familial melanoma. Last evaluated: 2025-05-02. Review status: criteria provided, single submitter. Criteria: Invitae Variant Classification Sherloc (09022015). Collection method: clinical testing. Allele origin: germline.

Myriad Genetics, Inc.
Classification: Benign for Melanoma, cutaneous malignant, susceptibility to, 3. Last evaluated: 2024-09-26. Review status: criteria provided, single submitter. Criteria: Myriad Autosomal Dominant, Autosomal Recessive and X-Linked Classification Criteria (2023). Collection method: clinical testing. Allele origin: unknown.
Comment: This variant is considered benign. This variant is a silent/synonymous amino acid change and it is not expected to impact splicing.

Ambry Genetics
Classification: Likely benign for Hereditary cancer-predisposing syndrome. Last evaluated: 2024-06-03. Review status: criteria provided, single submitter. Criteria: Ambry Variant Classification Scheme 2023. Collection method: clinical testing. Allele origin: germline.

NM_000075.4(CDK4):c.801G>C (p.Ser267=)

Genes: TSPAN31 (tetraspanin 31; plus strand), CDK4 (cyclin dependent kinase 4; minus strand). Cytogenetic location: 12q14.1.
Variant type: single nucleotide variant.
Coding change: c.801G>C on transcript NM_000075.4 (MANE Select); coding-DNA position 801, G replaced by C.
Protein change: p.Ser267=; no amino-acid change (serine 267 retained).
Molecular consequence: synonymous variant. On other transcripts: 3 prime UTR variant (3).
Genome position (GRCh38, 1-based): chr12:57,749,200, C>G on the plus strand (G>C on the coding strand, the complement: CDK4 is on the minus strand). VCF-style: chr12-57749200-C-G. GRCh37 (hg19) VCF-style: chr12-58142983-C-G.
Other names: c.*1910C>G (NM_001330168.2, NM_001330169.2, NM_005981.5).
Identifiers: ClinVar variation 1086955 (VCV001086955.12), dbSNP rs201744062, ClinGen allele CA6657682.